The following is an entry in ClinVar:

NM_005591.4(MRE11):c.1532A>T (p.Asn511Ile)

Gene: MRE11 (MRE11 double strand break repair nuclease; minus strand). Cytogenetic location: 11q21.
Variant type: single nucleotide variant.
Coding change: c.1532A>T on transcript NM_005591.4 (MANE Select); coding-DNA position 1532, A replaced by T.
Protein change: p.Asn511Ile; replaces asparagine 511 with isoleucine.
Molecular consequence: missense variant.
Genome position (GRCh38, 1-based): chr11:94,456,307, T>A on the plus strand (A>T on the coding strand, the complement: MRE11 is on the minus strand). VCF-style: chr11-94456307-T-A. GRCh37 (hg19) VCF-style: chr11-94189473-T-A.
Other names: c.1532A>T, p.Asn511Ile (NM_001330347.2, NM_005590.4); short protein forms N511I.
Identifiers: ClinVar variation 3224826 (VCV003224826.1), dbSNP rs775257680, ClinGen allele CA6235051.

ClinVar aggregate classification (germline): Uncertain significance (1 of 4 stars; one submission).

Conditions:
Hereditary cancer-predisposing syndrome. Also called: Tumor predisposition; Hereditary neoplastic syndrome; Hereditary Cancer Syndrome; Neoplastic Syndromes, Hereditary. Identifiers: Orphanet 140162, MedGen C0027672, MeSH D009386, MONDO:0015356.

Allele frequency attached by ClinVar (database versions not stated): ExAC 0.00001.

Submission:

Ambry Genetics
Classification: Uncertain significance for Hereditary cancer-predisposing syndrome. Last evaluated: 2024-02-28. Review status: criteria provided, single submitter. Criteria: Ambry Variant Classification Scheme 2023. Collection method: clinical testing. Allele origin: germline.
Comment: The p.N511I variant (also known as c.1532A>T), located in coding exon 13 of the MRE11A gene, results from an A to T substitution at nucleotide position 1532. The asparagine at codon 511 is replaced by isoleucine, an amino acid with dissimilar properties. This amino acid position is conserved. In addition, the in silico prediction for this alteration is inconclusive. Based on the available evidence, the clinical significance of this alteration remains unclear.